The following is an entry in ClinVar:

NM_182493.3(MYLK3):c.1421G>A (p.Arg474Lys)

Gene: MYLK3 (myosin light chain kinase 3; minus strand). Cytogenetic location: 16q11.2.
Variant type: single nucleotide variant.
Coding change: c.1421G>A on transcript NM_182493.3 (MANE Select); coding-DNA position 1421, G replaced by A.
Protein change: p.Arg474Lys; replaces arginine 474 with lysine.
Molecular consequence: missense variant.
Genome position (GRCh38, 1-based): chr16:46,732,249, C>T on the plus strand (G>A on the coding strand, the complement: MYLK3 is on the minus strand). VCF-style: chr16-46732249-C-T. GRCh37 (hg19) VCF-style: chr16-46766161-C-T.
Other names: c.398G>A, p.Arg133Lys (NM_001308301.1); short protein forms R133K, R474K.
Identifiers: ClinVar variation 1352485 (VCV001352485.8), dbSNP rs1416614901, ClinGen allele CA395791941.
Genomic context (GRCh38, chr16:46,732,249, plus strand): 5'-AGGCAACAGCCCCACTTACCCAGAACCACGCTGCCAGCCTCGGCGCCTGGGGGCATCCTC[C>T]TTACTGCTTCAGCTCTCACCGGAGCCCTGGCTGCACAGTCCTGCTCAGGCTCAGGGTTTC-3'
Protein context (NP_872299.2, residues 464-484): ARAPVRAEAV[Arg474Lys]RMPPGAEAGS

ClinVar aggregate classification (germline): Uncertain significance (1 of 4 stars; one submission).

Allele frequency attached by ClinVar (database versions not stated): gnomAD exomes below 0.00001; gnomAD 0.00001.
gnomAD v4.1: 6 of 1,600,540 alleles (0.00037%); highest among the groups gnomAD compares: Non-Finnish European, 0.00051%; no homozygotes.

Submission:

Labcorp Genetics (formerly Invitae), Labcorp
Classification: Uncertain significance. Last evaluated: 2021-07-13. Review status: criteria provided, single submitter. Criteria: Invitae Variant Classification Sherloc (09022015). Collection method: clinical testing. Allele origin: germline.
Comment: This sequence change replaces arginine with lysine at codon 474 of the MYLK3 protein (p.Arg474Lys). The arginine residue is weakly conserved and there is a small physicochemical difference between arginine and lysine. This variant is not present in population databases (ExAC no frequency). This variant has not been reported in the literature in individuals affected with MYLK3-related conditions. Algorithms developed to predict the effect of missense changes on protein structure and function (SIFT, PolyPhen-2, Align-GVGD) all suggest that this variant is likely to be tolerated. In summary, the available evidence is currently insufficient to determine the role of this variant in disease. Therefore, it has been classified as a Variant of Uncertain Significance.